The following is an entry in ClinVar:

ClinVar aggregate classification (germline): Uncertain significance (1 of 4 stars; one submission).

Conditions:
Charcot-Marie-Tooth disease axonal type 2Z. Also called: CHARCOT-MARIE-TOOTH DISEASE, AXONAL, AUTOSOMAL DOMINANT, TYPE 2Z; CHARCOT-MARIE-TOOTH NEUROPATHY, TYPE 2Z. Identifiers: Orphanet 466768, MedGen C5569025, MONDO:0014736, OMIM 616688.

Submission:

Labcorp Genetics (formerly Invitae), Labcorp
Classification: Uncertain significance for Charcot-Marie-Tooth disease axonal type 2Z. Last evaluated: 2023-02-22. Review status: criteria provided, single submitter. Criteria: Invitae Variant Classification Sherloc (09022015). Collection method: clinical testing. Allele origin: germline.
Comment: An algorithm developed to predict the effect of missense changes on protein structure and function (PolyPhen-2) suggests that this variant is likely to be disruptive. In summary, the available evidence is currently insufficient to determine the role of this variant in disease. Therefore, it has been classified as a Variant of Uncertain Significance. This variant has not been reported in the literature in individuals affected with MORC2-related conditions. Information on the frequency of this variant in the gnomAD database is not available, as this variant may be reported differently in the database. This sequence change replaces alanine, which is neutral and non-polar, with glycine, which is neutral and non-polar, at codon 32 of the MORC2 protein (p.Ala32Gly).

NM_001303256.3(MORC2):c.95_96delinsGT (p.Ala32Gly)

Gene: MORC2 (MORC family CW-type zinc finger 2; minus strand). Cytogenetic location: 22q12.2.
Variant type: Indel.
Coding change: c.95_96delinsGT on transcript NM_001303256.3 (MANE Select); coding-DNA positions 95 to 96, CC replaced by GT.
Protein change: p.Ala32Gly; replaces alanine 32 with glycine.
Molecular consequence: missense variant. On other transcripts: 5 prime UTR variant (1).
Genome position (GRCh38, 1-based): chr22:30,958,667-30,958,668, GG replaced by AC on the plus strand (CC replaced by GT on the coding strand, the reverse complement: MORC2 is on the minus strand). VCF-style: chr22-30958667-GG-AC. GRCh37 (hg19) VCF-style: chr22-31354653-GG-AC.
Other names: c.95_96delinsGT, p.Ala32Gly (NM_001303257.2); c.-92_-91delinsGT (NM_014941.3); short protein forms A32G.
Identifiers: ClinVar variation 2839732 (VCV002839732.3), dbSNP rs2517643393, ClinGen allele CA2739267887.